The following is an entry in ClinVar:

NM_001292063.2(OTOG):c.2080G>A (p.Ala694Thr)

Gene: OTOG (otogelin; plus strand). Cytogenetic location: 11p15.1.
Variant type: single nucleotide variant.
Coding change: c.2080G>A on transcript NM_001292063.2 (MANE Select); coding-DNA position 2080, G replaced by A.
Protein change: p.Ala694Thr; replaces alanine 694 with threonine.
Molecular consequence: missense variant.
Genome position (GRCh38, 1-based): chr11:17,572,204, G>A. VCF-style: chr11-17572204-G-A. GRCh37 (hg19) VCF-style: chr11-17593751-G-A.
Other names: c.2116G>A, p.Ala706Thr (NM_001277269.2); short protein forms A694T, A706T.
Identifiers: ClinVar variation 1392869 (VCV001392869.9), dbSNP rs757854202, ClinGen allele CA5905569.

ClinVar aggregate classification (germline): Uncertain significance. Review status: criteria provided, multiple submitters, no conflicts (2 of 4 stars). 2 submissions from 2 submitters: Uncertain significance (2). Last evaluated 2023-08-04.

Conditions:
Autosomal recessive nonsyndromic hearing loss 18B. Also called: Deafness, autosomal recessive 18b. Identifiers: Orphanet 90636, MedGen C3554163, MONDO:0013985, OMIM 614945.

Allele frequency attached by ClinVar (database versions not stated): gnomAD exomes 0.00001 and 0.00004; TOPMed 0.00002; gnomAD 0.00003 and 0.00004; ExAC 0.00007.
gnomAD v4.1: 55 of 1,550,180 alleles (0.0035%); highest among the groups gnomAD compares: African/African-American, 0.0082%; no homozygotes.

Submissions (2):

Labcorp Genetics (formerly Invitae), Labcorp
Classification: Uncertain significance. Last evaluated: 2023-08-04. Review status: criteria provided, single submitter. Criteria: Invitae Variant Classification Sherloc (09022015). Collection method: clinical testing. Allele origin: germline.
Comment: In summary, the available evidence is currently insufficient to determine the role of this variant in disease. Therefore, it has been classified as a Variant of Uncertain Significance. Variants that disrupt the consensus splice site are a relatively common cause of aberrant splicing (PMID: 17576681, 9536098). Algorithms developed to predict the effect of sequence changes on RNA splicing suggest that this variant may disrupt the consensus splice site. An algorithm developed to predict the effect of missense changes on protein structure and function (PolyPhen-2) suggests that this variant is likely to be disruptive. ClinVar contains an entry for this variant (Variation ID: 1392869). This variant has not been reported in the literature in individuals affected with OTOG-related conditions. This variant is present in population databases (rs757854202, gnomAD 0.01%). This sequence change replaces alanine, which is neutral and non-polar, with threonine, which is neutral and polar, at codon 706 of the OTOG protein (p.Ala706Thr). This variant also falls at the last nucleotide of exon 17, which is part of the consensus splice site for this exon.

Fulgent Genetics
Classification: Uncertain significance for Autosomal recessive nonsyndromic hearing loss 18B. Last evaluated: 2021-08-01. Review status: criteria provided, single submitter. Criteria: ACMG Guidelines, 2015. Collection method: clinical testing. Allele origin: unknown.

Literature cited by the submitters: PubMed 17576681 (cited by Labcorp Genetics (formerly Invitae), Labcorp); PubMed 9536098 (cited by Labcorp Genetics (formerly Invitae), Labcorp).